The following is an entry in ClinVar:

NM_000038.6(APC):c.7717A>T (p.Ile2573Phe)

Gene: APC (APC regulator of Wnt signaling pathway; plus strand). Cytogenetic location: 5q22.2.
Variant type: single nucleotide variant.
Coding change: c.7717A>T on transcript NM_000038.6 (MANE Select); coding-DNA position 7717, A replaced by T.
Protein change: p.Ile2573Phe; replaces isoleucine 2573 with phenylalanine.
Molecular consequence: missense variant.
Genome position (GRCh38, 1-based): chr5:112,843,311, A>T. VCF-style: chr5-112843311-A-T. GRCh37 (hg19) VCF-style: chr5-112179008-A-T.
Other names: c.7717A>T, p.Ile2573Phe (NM_001127510.3, NM_001354895.2); c.7663A>T, p.Ile2555Phe (NM_001127511.3); c.7771A>T, p.Ile2591Phe (NM_001354896.2); c.7747A>T, p.Ile2583Phe (NM_001354897.2); c.7642A>T, p.Ile2548Phe (NM_001354898.2); c.7633A>T, p.Ile2545Phe (NM_001354899.2); c.7594A>T, p.Ile2532Phe (NM_001354900.2); c.7540A>T, p.Ile2514Phe (NM_001354901.2); and 5 more; short protein forms I2532F, I2545F, I2548F, I2555F, I2573F, I2447F, I2482F, I2290F.
Identifiers: ClinVar variation 862502 (VCV000862502.14), dbSNP rs145444830, ClinGen allele CA16038092.

ClinVar aggregate classification (germline): Uncertain significance. Review status: criteria provided, multiple submitters, no conflicts (2 of 4 stars). 3 submissions from 3 submitters: Uncertain significance (3). Last evaluated 2025-07-30.

Conditions:
Hereditary cancer-predisposing syndrome. Also called: Tumor predisposition; Hereditary neoplastic syndrome; Neoplastic Syndromes, Hereditary; Hereditary Cancer Syndrome. Identifiers: Orphanet 140162, MedGen C0027672, MeSH D009386, MONDO:0015356.
Familial adenomatous polyposis 1 (FAP1). Also called: POLYPOSIS, ADENOMATOUS INTESTINAL; FAMILIAL ADENOMATOUS POLYPOSIS 1, ATTENUATED. Identifiers: MedGen C2713442, MONDO:0021056, OMIM 175100. Disease mechanism: loss of function.

Submissions (3):

Ambry Genetics
Classification: Uncertain significance for Hereditary cancer-predisposing syndrome. Last evaluated: 2025-07-30. Review status: criteria provided, single submitter. Criteria: Ambry Variant Classification Scheme 2023. Collection method: clinical testing. Allele origin: germline.
Comment: The p.I2573F variant (also known as c.7717A>T), located in coding exon 15 of the APC gene, results from an A to T substitution at nucleotide position 7717. The isoleucine at codon 2573 is replaced by phenylalanine, an amino acid with highly similar properties. This amino acid position is well conserved in available vertebrate species. In addition, in silico predictors for this gene do not accurately predict pathogenicity. Missense alterations in APC are not a common cause of disease (Spier I et al. Genet Med. 2024 Feb;26(2):100992). Based on the available evidence, the clinical significance of this variant remains unclear.

Labcorp Genetics (formerly Invitae), Labcorp
Classification: Uncertain significance for Familial adenomatous polyposis 1. Last evaluated: 2024-05-08. Review status: criteria provided, single submitter. Criteria: Invitae Variant Classification Sherloc (09022015). Collection method: clinical testing. Allele origin: germline.
Comment: This sequence change replaces isoleucine, which is neutral and non-polar, with phenylalanine, which is neutral and non-polar, at codon 2573 of the APC protein (p.Ile2573Phe). This variant is not present in population databases (gnomAD no frequency). This variant has not been reported in the literature in individuals affected with APC-related conditions. ClinVar contains an entry for this variant (Variation ID: 862502). Advanced modeling of protein sequence and biophysical properties (such as structural, functional, and spatial information, amino acid conservation, physicochemical variation, residue mobility, and thermodynamic stability) performed at Invitae indicates that this missense variant is not expected to disrupt APC protein function with a negative predictive value of 95%. In summary, the available evidence is currently insufficient to determine the role of this variant in disease. Therefore, it has been classified as a Variant of Uncertain Significance.

Baylor Genetics
Classification: Uncertain significance for Familial adenomatous polyposis 1. Last evaluated: 2024-02-21. Review status: criteria provided, single submitter. Criteria: ACMG Guidelines, 2015. Collection method: clinical testing. Allele origin: unknown.